The following is an entry in ClinVar:

ClinVar aggregate classification (germline): Pathogenic (1 of 4 stars; one submission).

Conditions:
VPS13A-related neurodegenerative disease. Also called: ACANTHOCYTOSIS WITH NEUROLOGIC DISORDER; LEVINE-CRITCHLEY SYNDROME; Choreoacanthocytosis; Chorea-acanthocytosis; Choreaacanthocytosis; VPS13A Disease. Identifiers: Orphanet 2388, MedGen C0393576, MONDO:0008695, OMIM 200150.

Submission:

Myriad Genetics, Inc.
Classification: Pathogenic for VPS13A-related neurodegenerative disease. Last evaluated: 2024-05-14. Review status: criteria provided, single submitter. Criteria: Myriad Autosomal Dominant, Autosomal Recessive and X-Linked Classification Criteria (2023). Collection method: clinical testing. Allele origin: unknown.
Comment: NM_033305.2(VPS13A):c.1592delT(I531Kfs*7) is expected to be pathogenic in the context of VPS13A disease. This variant is predicted to lead to an abnormal or absent protein product due to the creation of a premature termination codon in VPS13A, a gene where loss-of-function variants are known to be pathogenic. Please note: this variant was assessed in the context of healthy population screening.

NM_033305.3(VPS13A):c.1592del (p.Ile531fs)

Gene: VPS13A (vacuolar protein sorting 13 homolog A; plus strand). Cytogenetic location: 9q21.2.
Variant type: Deletion.
Coding change: c.1592del on transcript NM_033305.3 (MANE Select); coding-DNA position 1592, one base deleted (T; older notation c.1592delT).
Protein change: p.Ile531fs; shifts the reading frame from isoleucine 531.
Molecular consequence: frameshift variant.
Genome position (GRCh38, 1-based): chr9:77,228,261, T deleted. VCF-style (leftmost placement, unchanged base first): chr9-77228260-AT-A. GRCh37 (hg19) VCF-style: chr9-79843176-AT-A.
Other names: c.1592del, p.Ile531fs (NM_001018037.2, NM_001018038.3, NM_015186.4); short protein forms I531fs.
Identifiers: ClinVar variation 5011690 (VCV005011690.1).
Genomic context (GRCh38, chr9:77,228,260, plus strand): 5'-GTAGATATTGTAATAGAAGAATTTAGCACCTTAATTGTGCAAAGACCAGGAGCACAAGCA[AT>A]AAAGTAAGTATTAATTTATCTTTTTTTATCATATATGAAAAAACTTCACTGTGTTCTTAG-3'